The following is an entry in ClinVar:

NM_001035.3(RYR2):c.7999C>G (p.Pro2667Ala)

Gene: RYR2 (ryanodine receptor 2; plus strand). Cytogenetic location: 1q43.
Variant type: single nucleotide variant.
Coding change: c.7999C>G on transcript NM_001035.3 (MANE Select); coding-DNA position 7999, C replaced by G.
Protein change: p.Pro2667Ala; replaces proline 2667 with alanine.
Molecular consequence: missense variant.
Genome position (GRCh38, 1-based): chr1:237,655,854, C>G. VCF-style: chr1-237655854-C-G. GRCh37 (hg19) VCF-style: chr1-237819154-C-G.
Other names: short protein forms P2667A.
Identifiers: ClinVar variation 4539856 (VCV004539856.1).

ClinVar aggregate classification (germline): Uncertain significance (1 of 4 stars; one submission).

Submission:

GeneDx
Classification: Uncertain significance. Last evaluated: 2025-06-26. Review status: criteria provided, single submitter. Criteria: GeneDx Variant Classification Process June 2021. Collection method: clinical testing. Allele origin: germline. Affected: yes.
Comment: Not observed at significant frequency in large population cohorts (gnomAD); In silico analysis supports that this missense variant has a deleterious effect on protein structure/function; Has not been previously published as pathogenic or benign to our knowledge; Not located in one of the three hot-spot regions of the RYR2 gene, where the majority of pathogenic missense variants occur (PMID: 19926015); This variant is associated with the following publications: (PMID: 19926015)